The following is an entry in ClinVar:

ClinVar aggregate classification (germline): Uncertain significance (1 of 4 stars; one submission).

Allele frequency attached by ClinVar (database versions not stated): gnomAD exomes below 0.00001.

Submission:

GeneDx
Classification: Uncertain significance. Last evaluated: 2019-04-24. Review status: criteria provided, single submitter. Criteria: GeneDx Variant Classification Process June 2021. Collection method: clinical testing. Allele origin: germline. Affected: yes.
Comment: Has not been previously published as pathogenic or benign to our knowledge

NM_004551.3(NDUFS3):c.538A>C (p.Asn180His)

Gene: NDUFS3 (NADH:ubiquinone oxidoreductase core subunit S3; plus strand). Cytogenetic location: 11p11.2.
Variant type: single nucleotide variant.
Coding change: c.538A>C on transcript NM_004551.3 (MANE Select); coding-DNA position 538, A replaced by C.
Protein change: p.Asn180His; replaces asparagine 180 with histidine.
Molecular consequence: missense variant.
Genome position (GRCh38, 1-based): chr11:47,582,379, A>C. VCF-style: chr11-47582379-A-C. GRCh37 (hg19) VCF-style: chr11-47603931-A-C.
Other names: short protein forms N180H.
Identifiers: ClinVar variation 1305082 (VCV001305082.2), dbSNP rs550477502, ClinGen allele CA380361703.